The following is an entry in ClinVar:

NM_001848.3(COL6A1):c.858+5G>T

Gene: COL6A1 (collagen type VI alpha 1 chain; plus strand). Cytogenetic location: 21q22.3.
Variant type: single nucleotide variant.
Coding change: c.858+5G>T on transcript NM_001848.3 (MANE Select); 5 bases into the intron after coding-DNA position 858, G replaced by T.
Molecular consequence: intron variant.
Genome position (GRCh38, 1-based): chr21:45,989,142, G>T. VCF-style: chr21-45989142-G-T. GRCh37 (hg19) VCF-style: chr21-47409056-G-T.
Identifiers: ClinVar variation 2113710 (VCV002113710.4), dbSNP rs2123470416, ClinGen allele CA2580098913.

ClinVar aggregate classification (germline): Uncertain significance (1 of 4 stars; one submission).

Conditions:
Bethlem myopathy 1A. Also called: MYOPATHY, BENIGN CONGENITAL, WITH CONTRACTURES; Bethlem myopathy 1; Bethlem Muscular Dystrophy. Identifiers: Orphanet 610, MedGen CN029274, MONDO:0024530, OMIM 158810.

Submission:

Labcorp Genetics (formerly Invitae), Labcorp
Classification: Uncertain significance for Bethlem myopathy 1A. Last evaluated: 2022-03-18. Review status: criteria provided, single submitter. Criteria: Invitae Variant Classification Sherloc (09022015). Collection method: clinical testing. Allele origin: germline.
Comment: This sequence change falls in intron 9 of the COL6A1 gene. It does not directly change the encoded amino acid sequence of the COL6A1 protein. It affects a nucleotide within the consensus splice site. This variant is not present in population databases (gnomAD no frequency). This variant has not been reported in the literature in individuals affected with COL6A1-related conditions. Variants that disrupt the consensus splice site are a relatively common cause of aberrant splicing (PMID: 17576681, 9536098). Algorithms developed to predict the effect of sequence changes on RNA splicing suggest that this variant may disrupt the consensus splice site. In summary, the available evidence is currently insufficient to determine the role of this variant in disease. Therefore, it has been classified as a Variant of Uncertain Significance.

Literature cited by the submitters: PubMed 17576681; PubMed 9536098.